The following is an entry in ClinVar:

NC_000005.9:g.(?_131893017)_(131931512_?)dup

Gene: RAD50 (RAD50 double strand break repair protein; plus strand). Cytogenetic location: 5q31.1.
Variant type: Duplication.
Identifiers: ClinVar variation 999898 (VCV000999898.5).

ClinVar aggregate classification (germline): Uncertain significance (1 of 4 stars; one submission).

Conditions:
Hereditary cancer-predisposing syndrome. Also called: Neoplastic Syndromes, Hereditary; Tumor predisposition; Hereditary Cancer Syndrome; Hereditary neoplastic syndrome. Identifiers: Orphanet 140162, MedGen C0027672, MeSH D009386, MONDO:0015356.

Submission:

Labcorp Genetics (formerly Invitae), Labcorp
Classification: Uncertain significance for Hereditary cancer-predisposing syndrome. Last evaluated: 2020-03-04. Review status: criteria provided, single submitter. Criteria: Invitae Variant Classification Sherloc (09022015). Collection method: clinical testing. Allele origin: germline.
Comment: In summary, the available evidence is currently insufficient to determine the role of this variant in disease. Therefore, it has been classified as a Variant of Uncertain Significance. Experimental studies and prediction algorithms are not available or were not evaluated, and the functional significance of this variant is currently unknown. This variant has not been reported in the literature in individuals with RAD50-related conditions. This variant results in a copy number gain of the genomic region encompassing exons 1-13 of the RAD50 gene, which includes the initiator codon. The 5' end of this event is unknown as it extends beyond the assayed region for this gene and therefore may encompass additional genes. The 3' boundary is likely confined to intron 13 of the RAD50 gene. As the precise location of this event is unknown, it may be in tandem or it may be located elsewhere in the genome.